The following is an entry in ClinVar:

ClinVar aggregate classification (germline): Uncertain significance (1 of 4 stars; one submission).

Conditions:
Hereditary spastic paraplegia 11. Also called: Nakamura Osame syndrome; Autosomal recessive hereditary spastic paraplegia, mental impairment, and thin corpus callosum; Spastic paraplegia, mental retardation and thin corpus callosum; SPASTIC PARAPLEGIA, AUTOSOMAL RECESSIVE, COMPLICATED, WITH THIN CORPUS CALLOSUM; SPASTIC PARAPLEGIA, AUTOSOMAL RECESSIVE, WITH MENTAL IMPAIRMENT AND THIN CORPUS CALLOSUM; Spastic Paraplegia 11. Identifiers: Orphanet 2822, MedGen C1858479, MONDO:0011445, OMIM 604360.

Allele frequency attached by ClinVar (database versions not stated): TOPMed below 0.00001; gnomAD 0.00001.
gnomAD v4.1: 1 of 1,613,936 alleles (0.000062%); highest among the groups gnomAD compares: African/African-American, 0.0013%; no homozygotes.

Submission:

Labcorp Genetics (formerly Invitae), Labcorp
Classification: Uncertain significance for Hereditary spastic paraplegia 11. Last evaluated: 2024-12-02. Review status: criteria provided, single submitter. Criteria: Invitae Variant Classification Sherloc (09022015). Collection method: clinical testing. Allele origin: germline.
Comment: This sequence change replaces serine, which is neutral and polar, with threonine, which is neutral and polar, at codon 965 of the SPG11 protein (p.Ser965Thr). This variant is present in population databases (no rsID available, gnomAD 0.01%). This variant has not been reported in the literature in individuals affected with SPG11-related conditions. ClinVar contains an entry for this variant (Variation ID: 1058212). Invitae Evidence Modeling of protein sequence and biophysical properties (such as structural, functional, and spatial information, amino acid conservation, physicochemical variation, residue mobility, and thermodynamic stability) indicates that this missense variant is not expected to disrupt SPG11 protein function with a negative predictive value of 80%. In summary, the available evidence is currently insufficient to determine the role of this variant in disease. Therefore, it has been classified as a Variant of Uncertain Significance.

NM_025137.4(SPG11):c.2894G>C (p.Ser965Thr)

Gene: SPG11 (SPG11 vesicle trafficking associated, spatacsin; minus strand). Cytogenetic location: 15q21.1.
Variant type: single nucleotide variant.
Coding change: c.2894G>C on transcript NM_025137.4 (MANE Select); coding-DNA position 2894, G replaced by C.
Protein change: p.Ser965Thr; replaces serine 965 with threonine.
Molecular consequence: missense variant.
Genome position (GRCh38, 1-based): chr15:44,615,507, C>G on the plus strand (G>C on the coding strand, the complement: SPG11 is on the minus strand). VCF-style: chr15-44615507-C-G. GRCh37 (hg19) VCF-style: chr15-44907705-C-G.
Other names: c.2894G>C, p.Ser965Thr (NM_001160227.2); short protein forms S965T.
Identifiers: ClinVar variation 1058212 (VCV001058212.9), dbSNP rs1329747068, ClinGen allele CA392229523.